The following is an entry in ClinVar:

NM_032119.4(ADGRV1):c.10974+6G>T

Gene: ADGRV1 (adhesion G protein-coupled receptor V1; plus strand). Cytogenetic location: 5q14.3.
Variant type: single nucleotide variant.
Coding change: c.10974+6G>T on transcript NM_032119.4 (MANE Select); 6 bases into the intron after coding-DNA position 10974, G replaced by T.
Molecular consequence: intron variant.
Genome position (GRCh38, 1-based): chr5:90,745,801, G>T. VCF-style: chr5-90745801-G-T. GRCh37 (hg19) VCF-style: chr5-90041618-G-T.
Identifiers: ClinVar variation 2030865 (VCV002030865.2), dbSNP rs1312589083, ClinGen allele CA560904225.
Genomic context (GRCh38, chr5:90,745,801, plus strand): 5'-AACAATAACCATTCTGTCTAATGATGATGCCTATGGAATTGTTGCATTTGCTCAGGTAAT[G>T]ATACTGAAGACCCCACACTTGCAATGCAAAATGTTTTATTTATTGTATTTGTGTATTAGC-3'

ClinVar aggregate classification (germline): Uncertain significance (1 of 4 stars; one submission).

Submission:

Labcorp Genetics (formerly Invitae), Labcorp
Classification: Uncertain significance. Last evaluated: 2022-10-19. Review status: criteria provided, single submitter. Criteria: Invitae Variant Classification Sherloc (09022015). Collection method: clinical testing. Allele origin: germline.
Comment: This variant has not been reported in the literature in individuals affected with ADGRV1-related conditions. This variant is not present in population databases (gnomAD no frequency). This sequence change falls in intron 52 of the ADGRV1 gene. It does not directly change the encoded amino acid sequence of the ADGRV1 protein. It affects a nucleotide within the consensus splice site. Variants that disrupt the consensus splice site are a relatively common cause of aberrant splicing (PMID: 17576681, 9536098). Algorithms developed to predict the effect of sequence changes on RNA splicing suggest that this variant is not likely to affect RNA splicing. In summary, the available evidence is currently insufficient to determine the role of this variant in disease. Therefore, it has been classified as a Variant of Uncertain Significance.

Literature cited by the submitters: PubMed 17576681; PubMed 9536098.